The following is an entry in ClinVar:

NM_025114.4(CEP290):c.1926A>T (p.Glu642Asp)

Gene: CEP290 (centrosomal protein 290; minus strand). Cytogenetic location: 12q21.32.
Variant type: single nucleotide variant.
Coding change: c.1926A>T on transcript NM_025114.4 (MANE Select); coding-DNA position 1926, A replaced by T.
Protein change: p.Glu642Asp; replaces glutamic acid 642 with aspartic acid.
Molecular consequence: missense variant.
Genome position (GRCh38, 1-based): chr12:88,114,546, T>A on the plus strand (A>T on the coding strand, the complement: CEP290 is on the minus strand). VCF-style: chr12-88114546-T-A. GRCh37 (hg19) VCF-style: chr12-88508323-T-A.
Other names: short protein forms E642D.
Identifiers: ClinVar variation 2140382 (VCV002140382.4), dbSNP rs2500816563, ClinGen allele CA385977009.

ClinVar aggregate classification (germline): Uncertain significance (1 of 4 stars; one submission).

Conditions:
Joubert syndrome. Also called: CEREBELLOPARENCHYMAL DISORDER IV; JOUBERT-BOLTSHAUSER SYNDROME; Familial aplasia of the vermis. Identifiers: Orphanet 475, MedGen C5979921, MONDO:0018772.
Nephronophthisis. Also called: Juvenile Nephronophthisis. Identifiers: Orphanet 655, MedGen C0687120, MONDO:0019005, HP:0000090.
Meckel-Gruber syndrome. Also called: DYSENCEPHALIA SPLANCHNOCYSTICA; GRUBER SYNDROME; Dysencephalia splachnocystica. Identifiers: Orphanet 564, MedGen C0265215, MONDO:0018921.

Submission:

Labcorp Genetics (formerly Invitae), Labcorp
Classification: Uncertain significance for Joubert syndrome; Meckel-Gruber syndrome; Nephronophthisis. Last evaluated: 2022-02-12. Review status: criteria provided, single submitter. Criteria: Invitae Variant Classification Sherloc (09022015). Collection method: clinical testing. Allele origin: germline.
Comment: This sequence change replaces glutamic acid, which is acidic and polar, with aspartic acid, which is acidic and polar, at codon 642 of the CEP290 protein (p.Glu642Asp). This variant is not present in population databases (gnomAD no frequency). This variant has not been reported in the literature in individuals affected with CEP290-related conditions. Algorithms developed to predict the effect of missense changes on protein structure and function (SIFT, PolyPhen-2, Align-GVGD) all suggest that this variant is likely to be tolerated. In summary, the available evidence is currently insufficient to determine the role of this variant in disease. Therefore, it has been classified as a Variant of Uncertain Significance.